The following is an entry in ClinVar:

NM_000540.3(RYR1):c.9850T>A (p.Trp3284Arg)

Gene: RYR1 (ryanodine receptor 1; plus strand). Cytogenetic location: 19q13.2.
Variant type: single nucleotide variant.
Coding change: c.9850T>A on transcript NM_000540.3 (MANE Select); coding-DNA position 9850, T replaced by A.
Protein change: p.Trp3284Arg; replaces tryptophan 3284 with arginine.
Molecular consequence: missense variant.
Genome position (GRCh38, 1-based): chr19:38,517,523, T>A. VCF-style: chr19-38517523-T-A. GRCh37 (hg19) VCF-style: chr19-39008163-T-A.
Other names: NM_000540.3(RYR1):c.9850T>A; p.(Trp3284Arg); NM_001042723.2:c.9850T>A; c.9850T>A, p.Trp3284Arg (NM_001042723.2); short protein forms W3284R.
Identifiers: ClinVar variation 1330368 (VCV001330368.3), dbSNP rs1555788577, ClinGen allele CA405692341.

ClinVar aggregate classification (germline): Uncertain significance (3 of 4 stars; one submission).

Conditions:
Malignant hyperthermia of anesthesia. Also called: Anesthesic-triggered malignant hyperthermia. Identifiers: Orphanet 423, MedGen C0024591, MONDO:0018493, HP:0034733.

Submission:

ClinGen Malignant Hyperthermia Susceptibility Variant Curation Expert Panel, ClinGen
Classification: Uncertain significance for Malignant hyperthermia of anesthesia. Last evaluated: 2025-08-01. Review status: reviewed by expert panel. Criteria: ClinGen MHS ACMG Specifications V2. Collection method: curation. Allele origin: germline. Inheritance: Autosomal dominant inheritance.
Comment: This pathogenicity assessment is relevant only for malignant hyperthermia susceptibility (MHS) inherited in an autosomal dominant pattern. Variants in RYR1 can also cause other myopathies inherited in an autosomal dominant pattern or in an autosomal recessive pattern. Some of these disorders may predispose individuals to malignant hyperthermia. RYR1 variants may also contribute to a malignant hyperthermia reaction in combination with other genetic and non-genetic factors and the clinician needs to consider such factors in making management decisions. This sequence variant predicts a substitution of tryptophan with arginine at codon 3284 of the RYR1 protein, p.(Trp3284Arg). This variant was not present in a large population database (gnomAD) at the time this variant was interpreted. This variant has been reported in an individual without a personal or family history of an MH episode and a positive in vitro contracture test (IVCT) or caffeine halothane contracture test (CHCT), PS4 was not implemented (PMID:21455645). No functional studies were identified for this variant. This variant does not reside in a hotspot for pathogenic variants that contribute to MHS. A REVEL score >0.85 (0.873) supports a pathogenic status for this variant, PP3_Moderate. This variant has been classified as a Variant of Unknown Significance. Criteria implemented: PP3_Moderate.